The following is an entry in ClinVar:

NM_005445.4(SMC3):c.130+11C>G

Gene: SMC3 (structural maintenance of chromosomes 3; plus strand). Cytogenetic location: 10q25.2.
Variant type: single nucleotide variant.
Coding change: c.130+11C>G on transcript NM_005445.4 (MANE Select); 11 bases into the intron after coding-DNA position 130, C replaced by G.
Molecular consequence: intron variant.
Genome position (GRCh38, 1-based): chr10:110,573,756, C>G. VCF-style: chr10-110573756-C-G. GRCh37 (hg19) VCF-style: chr10-112333514-C-G.
Identifiers: ClinVar variation 1028889 (VCV001028889.1), dbSNP rs1860907572, ClinGen allele CA2499220154.
Genomic context (GRCh38, chr10:110,573,756, plus strand): 5'-AAATTTTCCAGTGGGCAGAAATGGATCTGGAAAAAGTAACTTTTTTTATGGTAGGTGTTG[C>G]TTTTTGAATTGTAAATATATTAAGACCTGGGTATCTTAGGGTAGATTATTAAAATCATTA-3'

ClinVar aggregate classification (germline): Uncertain significance (1 of 4 stars; one submission).

Conditions:
Cornelia de Lange syndrome 3 (CDLS3). Also called: CORNELIA DE LANGE SYNDROME 3 WITH OR WITHOUT MIDLINE BRAIN DEFECTS; SMC3-Related Cornelia de Lange Syndrome. Identifiers: Orphanet 199, MedGen C1853099, MONDO:0012555, OMIM 610759.

Submission:

Baylor Genetics
Classification: Uncertain significance for Cornelia de Lange syndrome 3. Last evaluated: 2019-12-09. Review status: criteria provided, single submitter. Criteria: ACMG Guidelines, 2015. Collection method: clinical testing. Allele origin: de novo. Affected: yes.
Comment: This variant was determined to be of uncertain significance according to ACMG Guidelines, 2015 [PMID:25741868].